The following is an entry in ClinVar:

ClinVar aggregate classification (germline): Pathogenic (3 of 4 stars; one submission).

Conditions:
Lynch syndrome. Identifiers: Orphanet 144, MedGen C4552100, MONDO:0005835. Disease mechanism: loss of function.

Submission:

International Society for Gastrointestinal Hereditary Tumours (InSiGHT)
Classification: Pathogenic for Lynch Syndrome. Last evaluated: 2013-09-05. Review status: reviewed by expert panel. Criteria: Guidelines v1.9. Collection method: research. Allele origin: germline.
Comment: Coding sequence variation resulting in a stop codon

Classified with v1.9 guidelines

NM_000179.3(MSH6):c.1101del (p.His367fs)

Gene: MSH6 (mutS homolog 6; plus strand). Cytogenetic location: 2p16.3.
Variant type: Deletion.
Coding change: c.1101del on transcript NM_000179.3 (MANE Select); coding-DNA position 1101, one base deleted (T; older notation c.1101delT).
Protein change: p.His367fs; shifts the reading frame from histidine 367.
Molecular consequence: frameshift variant.
Genome position (GRCh38, 1-based): chr2:47,799,084, T deleted. VCF-style (leftmost placement, unchanged base first): chr2-47799083-AT-A. GRCh37 (hg19) VCF-style: chr2-48026222-AT-A.
Other names: c.711del, p.His237fs (NM_001281492.2); c.195del, p.His65fs (NM_001281493.2, NM_001281494.2); short protein forms H237fs, H65fs.
Identifiers: ClinVar variation 89171 (VCV000089171.2), dbSNP rs587779203, ClinGen allele CA008037.